The following is an entry in ClinVar:

NM_032977.4(CASP10):c.722-11T>G

Gene: CASP10 (caspase 10; plus strand). Cytogenetic location: 2q33.1.
Variant type: single nucleotide variant.
Coding change: c.722-11T>G on transcript NM_032977.4 (MANE Select); 11 bases into the intron before coding-DNA position 722, T replaced by G.
Molecular consequence: intron variant.
Genome position (GRCh38, 1-based): chr2:201,205,871, T>G. VCF-style: chr2-201205871-T-G. GRCh37 (hg19) VCF-style: chr2-202070594-T-G.
Other names: c.722-11T>G (NM_032974.5); c.685-2204T>G (NM_001206542.2, NM_001230.5); c.721+2105T>G (NM_032976.4, NM_001206524.2).
Identifiers: ClinVar variation 2928607 (VCV002928607.3), dbSNP rs767418585, ClinGen allele CA63863931.

ClinVar aggregate classification (germline): Uncertain significance (1 of 4 stars; one submission).

Conditions:
Autoimmune lymphoproliferative syndrome type 2A (ALPS2A). Also called: Autoimmune lymphoproliferative syndrome type 2; CASP10-Related Autoimmune Lymphoproliferative Syndrome; AUTOIMMUNE LYMPHOPROLIFERATIVE SYNDROME, TYPE IIA. Identifiers: Orphanet 3261, MedGen C1858968, MONDO:0011383, OMIM 603909.

Allele frequency attached by ClinVar (database versions not stated): gnomAD exomes below 0.00001; TOPMed below 0.00001.
gnomAD v4.1: 6 of 1,548,244 alleles (0.00039%); highest among the groups gnomAD compares: Admixed American, 0.0033%; no homozygotes.

Submission:

Labcorp Genetics (formerly Invitae), Labcorp
Classification: Uncertain significance for Autoimmune lymphoproliferative syndrome type 2A. Last evaluated: 2022-11-28. Review status: criteria provided, single submitter. Criteria: Invitae Variant Classification Sherloc (09022015). Collection method: clinical testing. Allele origin: germline.
Comment: This sequence change falls in intron 6 of the CASP10 gene. It does not directly change the encoded amino acid sequence of the CASP10 protein. This variant is present in population databases (rs767418585, gnomAD 0.003%). This variant has not been reported in the literature in individuals affected with CASP10-related conditions. Algorithms developed to predict the effect of sequence changes on RNA splicing suggest that this variant may disrupt the consensus splice site. In summary, the available evidence is currently insufficient to determine the role of this variant in disease. Therefore, it has been classified as a Variant of Uncertain Significance.